The following is an entry in ClinVar:

NM_153717.3(EVC):c.1563+185A>G

Gene: EVC (EvC ciliary complex subunit 1; plus strand). Cytogenetic location: 4p16.2.
Variant type: single nucleotide variant.
Coding change: c.1563+185A>G on transcript NM_153717.3 (MANE Select); 185 bases into the intron after coding-DNA position 1563, A replaced by G.
Molecular consequence: intron variant.
Genome position (GRCh38, 1-based): chr4:5,756,547, A>G. VCF-style: chr4-5756547-A-G. GRCh37 (hg19) VCF-style: chr4-5758274-A-G.
Other names: c.1563+185A>G (NM_001306090.2, NM_001306092.2).
Identifiers: ClinVar variation 667840 (VCV000667840.3), dbSNP rs12499655, ClinGen allele CA11634282.

ClinVar aggregate classification (germline): Benign. Review status: criteria provided, multiple submitters, no conflicts (2 of 4 stars). 2 submissions from 2 submitters: Benign (2). Last evaluated 2021-06-15.

Conditions:
Ellis-van Creveld syndrome (EVC). Also called: EVC-Related Ellis-van Creveld Syndrome; EVC2-Related Ellis-van Creveld Syndrome; Chondroectodermal dysplasia; MESOECTODERMAL DYSPLASIA. Identifiers: Orphanet 289, MedGen C0013903, MONDO:0009162, OMIM 225500.

Allele frequency attached by ClinVar (database versions not stated): 1000 Genomes Project 0.27157; TOPMed 0.27762; 1000 Genomes Project 30x 0.27764.
gnomAD v4.1: 40,799 of 152,112 alleles (27%); highest among the groups gnomAD compares: African/African-American, 38%; 5,976 homozygotes.

Submissions (2):

Pars Genome Lab
Classification: Benign for Ellis-van Creveld syndrome. Last evaluated: 2021-06-15. Review status: criteria provided, single submitter. Criteria: ACMG Guidelines, 2015. Collection method: clinical testing. Allele origin: germline. Affected: no.

GeneDx
Classification: Benign. Last evaluated: 2018-06-19. Review status: criteria provided, single submitter. Criteria: GeneDx Variant Classification (06012015). Collection method: clinical testing. Allele origin: germline. Affected: yes.
Comment: This variant is considered likely benign or benign based on one or more of the following criteria: it is a conservative change, it occurs at a poorly conserved position in the protein, it is predicted to be benign by multiple in silico algorithms, and/or has population frequency not consistent with disease.